The following is an entry in ClinVar:

ClinVar aggregate classification (germline): Uncertain significance (1 of 4 stars; one submission).

Allele frequency attached by ClinVar (database versions not stated): gnomAD 0.00001; TOPMed 0.00001; ESP Exome Variant Server 0.00008.
gnomAD v4.1: 2 of 1,614,008 alleles (0.00012%); highest among the groups gnomAD compares: African/African-American, 0.0027%; no homozygotes.

Submission:

GeneDx
Classification: Uncertain significance. Last evaluated: 2023-09-04. Review status: criteria provided, single submitter. Criteria: GeneDx Variant Classification Process June 2021. Collection method: clinical testing. Allele origin: germline. Affected: yes.
Comment: Not observed at significant frequency in large population cohorts (gnomAD); In silico analysis supports that this missense variant has a deleterious effect on protein structure/function; Has not been previously published as pathogenic or benign to our knowledge

NM_001145358.2(SIN3A):c.69C>G (p.Ser23Arg)

Gene: SIN3A (SIN3 transcription regulator family member A; minus strand). Cytogenetic location: 15q24.2.
Variant type: single nucleotide variant.
Coding change: c.69C>G on transcript NM_001145358.2 (MANE Select); coding-DNA position 69, C replaced by G.
Protein change: p.Ser23Arg; replaces serine 23 with arginine.
Molecular consequence: missense variant.
Genome position (GRCh38, 1-based): chr15:75,430,307, G>C on the plus strand (C>G on the coding strand, the complement: SIN3A is on the minus strand). VCF-style: chr15-75430307-G-C. GRCh37 (hg19) VCF-style: chr15-75722648-G-C.
Other names: c.69C>G, p.Ser23Arg (NM_001145357.2, NM_015477.3); short protein forms S23R.
Identifiers: ClinVar variation 1700916 (VCV001700916.4), dbSNP rs373353493, ClinGen allele CA272896985.